The following is an entry in ClinVar:

NM_001040167.2(LFNG):c.560G>A (p.Arg187His)

Gene: LFNG (LFNG O-fucosylpeptide 3-beta-N-acetylglucosaminyltransferase; plus strand). Cytogenetic location: 7p22.3.
Variant type: single nucleotide variant.
Coding change: c.560G>A on transcript NM_001040167.2 (MANE Select); coding-DNA position 560, G replaced by A.
Protein change: p.Arg187His; replaces arginine 187 with histidine.
Molecular consequence: missense variant.
Genome position (GRCh38, 1-based): chr7:2,525,297, G>A. VCF-style: chr7-2525297-G-A. GRCh37 (hg19) VCF-style: chr7-2564931-G-A.
Other names: c.560G>A, p.Arg187His (NM_001040168.2); c.347G>A, p.Arg116His (NM_001166355.2); c.173G>A, p.Arg58His (NM_002304.3); short protein forms R187H, R58H, R116H.
Identifiers: ClinVar variation 1503569 (VCV001503569.6), dbSNP rs372894218, ClinGen allele CA4127002.

ClinVar aggregate classification (germline): Uncertain significance (1 of 4 stars; one submission).

Conditions:
Spondylocostal dysostosis 3, autosomal recessive (SCDO3). Also called: LFNG-Related Spondylocostal Dysostosis, Autosomal Recessive. Identifiers: Orphanet 2311, MedGen C1853296, MONDO:0012349, OMIM 609813.

Allele frequency attached by ClinVar (database versions not stated): gnomAD 0.00001 and 0.00003; gnomAD exomes 0.00001 and 0.00003; TOPMed 0.00001; ESP Exome Variant Server 0.00008; ExAC 0.00003; 1000 Genomes Project 30x 0.00016; 1000 Genomes Project 0.00020.
gnomAD v4.1: 26 of 1,612,994 alleles (0.0016%); highest among the groups gnomAD compares: South Asian, 0.019%; no homozygotes.

Submission:

Labcorp Genetics (formerly Invitae), Labcorp
Classification: Uncertain significance for Spondylocostal dysostosis 3, autosomal recessive. Last evaluated: 2023-11-27. Review status: criteria provided, single submitter. Criteria: Invitae Variant Classification Sherloc (09022015). Collection method: clinical testing. Allele origin: germline.
Comment: This sequence change replaces arginine, which is basic and polar, with histidine, which is basic and polar, at codon 187 of the LFNG protein (p.Arg187His). This variant is present in population databases (rs372894218, gnomAD 0.03%). This variant has not been reported in the literature in individuals affected with LFNG-related conditions. ClinVar contains an entry for this variant (Variation ID: 1503569). Advanced modeling of protein sequence and biophysical properties (such as structural, functional, and spatial information, amino acid conservation, physicochemical variation, residue mobility, and thermodynamic stability) performed at Invitae indicates that this missense variant is not expected to disrupt LFNG protein function with a negative predictive value of 80%. In summary, the available evidence is currently insufficient to determine the role of this variant in disease. Therefore, it has been classified as a Variant of Uncertain Significance.